The following is an entry in ClinVar:

ClinVar aggregate classification (germline): Uncertain significance. Review status: criteria provided, multiple submitters, no conflicts (2 of 4 stars). 3 submissions from 3 submitters: Uncertain significance (3). Last evaluated 2025-12-26.

Conditions:
Epidermolysis bullosa simplex, Ogna type (EBS5A). Also called: Pidermolysis bullosa simplex 5A, Ogna type; EPIDERMOLYSIS BULLOSA SIMPLEX 5A, OGNA TYPE. Identifiers: Orphanet 79401, MedGen C0432317, MONDO:0007555, OMIM 131950.
Epidermolysis bullosa simplex 5C, with pyloric atresia (EBS5C). Also called: Epidermolysis bullosa simplex with pyloric atresia; PLEC-Related Epidermolysis Bullosa with Pyloric Atresia; PLEC1-Related Epidermolysis Bullosa with Pyloric Atresia. Identifiers: Orphanet 158684, MedGen C2677349, MONDO:0012807, OMIM 612138.
Epidermolysis bullosa simplex with nail dystrophy (EBS5D). Identifiers: MedGen C4225309, MONDO:0014661, OMIM 616487.
Epidermolysis bullosa simplex 5B, with muscular dystrophy (EBS5B). Also called: EPIDERMOLYSIS BULLOSA SIMPLEX AND LIMB-GIRDLE MUSCULAR DYSTROPHY; Epidermolysis bullosa simplex with muscular dystrophy. Identifiers: Orphanet 257, MedGen C2931072, MONDO:0009181, OMIM 226670.
Autosomal recessive limb-girdle muscular dystrophy type 2Q (LGMDR17). Also called: MUSCULAR DYSTROPHY, LIMB-GIRDLE, AUTOSOMAL RECESSIVE 17. Identifiers: Orphanet 254361, MedGen C3150989, MONDO:0013390, OMIM 613723.

Allele frequency attached by ClinVar (database versions not stated): gnomAD 0.00002; gnomAD exomes 0.00002 and 0.00005; TOPMed 0.00004; ExAC 0.00006.

Submissions (3):

Labcorp Genetics (formerly Invitae), Labcorp
Classification: Uncertain significance for Autosomal recessive limb-girdle muscular dystrophy type 2Q; Epidermolysis bullosa simplex, Ogna type; Epidermolysis bullosa simplex with nail dystrophy; Epidermolysis bullosa simplex 5C, with pyloric atresia; Epidermolysis bullosa simplex 5B, with muscular dystrophy. Last evaluated: 2025-12-26. Review status: criteria provided, single submitter. Criteria: Invitae Variant Classification Sherloc (09022015). Collection method: clinical testing. Allele origin: germline.
Comment: This sequence change replaces glycine, which is neutral and non-polar, with serine, which is neutral and polar, at codon 4539 of the PLEC protein (p.Gly4539Ser). This variant is present in population databases (rs782419427, gnomAD 0.01%). This variant has not been reported in the literature in individuals affected with PLEC-related conditions. ClinVar contains an entry for this variant (Variation ID: 648566). An algorithm developed to predict the effect of missense changes on protein structure and function outputs the following: PolyPhen-2: "Not Available". The serine amino acid residue is found in multiple mammalian species, which suggests that this missense change does not adversely affect protein function. In summary, the available evidence is currently insufficient to determine the role of this variant in disease. Therefore, it has been classified as a Variant of Uncertain Significance.

Revvity Omics, Revvity
Classification: Uncertain significance. Last evaluated: 2021-10-27. Review status: criteria provided, single submitter. Criteria: ACMG Guidelines, 2015. Collection method: clinical testing. Allele origin: germline.

GeneDx
Classification: Uncertain significance. Last evaluated: 2020-04-06. Review status: criteria provided, single submitter. Criteria: GeneDx Variant Classification Process June 2021. Collection method: clinical testing. Allele origin: germline. Affected: yes.
Comment: Has not been previously published as pathogenic or benign to our knowledge; In silico analysis, which includes protein predictors and evolutionary conservation, supports that this variant does not alter protein structure/function

NM_201384.3(PLEC):c.13534G>A (p.Gly4512Ser)

Gene: PLEC (plectin; minus strand). Cytogenetic location: 8q24.3.
Variant type: single nucleotide variant.
Coding change: c.13534G>A on transcript NM_201384.3 (MANE Select); coding-DNA position 13534, G replaced by A.
Protein change: p.Gly4512Ser; replaces glycine 4512 with serine.
Molecular consequence: missense variant.
Genome position (GRCh38, 1-based): chr8:143,916,287, C>T on the plus strand (G>A on the coding strand, the complement: PLEC is on the minus strand). VCF-style: chr8-143916287-C-T. GRCh37 (hg19) VCF-style: chr8-144990455-C-T.
Other names: c.13615G>A, p.Gly4539Ser (NM_000445.5); c.13492G>A, p.Gly4498Ser (NM_201378.4); c.13468G>A, p.Gly4490Ser (NM_201379.3); c.13945G>A, p.Gly4649Ser (NM_201380.4); c.13438G>A, p.Gly4480Ser (NM_201381.3); c.13534G>A, p.Gly4512Ser (NM_201382.4); c.13546G>A, p.Gly4516Ser (NM_201383.3); short protein forms G4516S, G4539S, G4480S, G4490S, G4498S, G4512S, G4649S.
Identifiers: ClinVar variation 648566 (VCV000648566.12), dbSNP rs782419427, ClinGen allele CA4923762.
Genomic context (GRCh38, chr8:143,916,287, plus strand): 5'-CGTAGCGGCGGCCGTAGCCCGAGGAGGAGTAGGAGGATGAAGAGAAGGTCATGGAGAAGC[C>T]GGAGCCGGTGGCGTCAAAGCTGCCGCGGCGGGAGCCGGCCCGGGAGCCGGTGCGCGAGCC-3'
Protein context (NP_958786.1, residues 4502-4522): RRGSFDATGS[Gly4512Ser]FSMTFSSSSY